The following is an entry in ClinVar:

ClinVar aggregate classification (germline): Uncertain significance (1 of 4 stars; one submission).

gnomAD v4.1: 160 of 1,614,026 alleles (0.0099%); highest among the groups gnomAD compares: East Asian, 0.031%; no homozygotes.

Submission:

GeneDx
Classification: Uncertain significance. Last evaluated: 2025-03-26. Review status: criteria provided, single submitter. Criteria: GeneDx Variant Classification Process June 2021. Collection method: clinical testing. Allele origin: germline. Affected: yes.
Comment: In silico analysis indicates that this missense variant does not alter protein structure/function; Has not been previously published as pathogenic or benign to our knowledge

NM_001127392.3(MYRF):c.1388C>T (p.Thr463Met)

Gene: MYRF (myelin regulatory factor; plus strand). Cytogenetic location: 11q12.2.
Variant type: single nucleotide variant.
Coding change: c.1388C>T on transcript NM_001127392.3 (MANE Select); coding-DNA position 1388, C replaced by T.
Protein change: p.Thr463Met; replaces threonine 463 with methionine.
Molecular consequence: missense variant.
Genome position (GRCh38, 1-based): chr11:61,776,132, C>T. VCF-style: chr11-61776132-C-T. GRCh37 (hg19) VCF-style: chr11-61543604-C-T.
Other names: c.1361C>T, p.Thr454Met (NM_013279.4); short protein forms T463M, T454M.
Identifiers: ClinVar variation 4087919 (VCV004087919.1).